The following is an entry in ClinVar:

ClinVar aggregate classification (germline): Uncertain significance. Review status: criteria provided, multiple submitters, no conflicts (2 of 4 stars). 2 submissions from 2 submitters: Uncertain significance (2). Last evaluated 2025-03-17.

Allele frequency attached by ClinVar (database versions not stated): TOPMed 0.00001; gnomAD 0.00002 and 0.00003.
gnomAD v4.1: 11 of 1,613,896 alleles (0.00068%); highest among the groups gnomAD compares: African/African-American, 0.0053%; no homozygotes.

Submissions (2):

Ambry Genetics
Classification: Uncertain significance. Last evaluated: 2025-03-17. Review status: criteria provided, single submitter. Criteria: Ambry Variant Classification Scheme 2023. Collection method: clinical testing. Allele origin: germline.

Labcorp Genetics (formerly Invitae), Labcorp
Classification: Uncertain significance. Last evaluated: 2024-09-18. Review status: criteria provided, single submitter. Criteria: Invitae Variant Classification Sherloc (09022015). Collection method: clinical testing. Allele origin: germline.
Comment: This sequence change replaces arginine, which is basic and polar, with tryptophan, which is neutral and slightly polar, at codon 571 of the ERMARD protein (p.Arg571Trp). This variant is present in population databases (rs760835757, gnomAD 0.002%). This variant has not been reported in the literature in individuals affected with ERMARD-related conditions. ClinVar contains an entry for this variant (Variation ID: 1371973). An algorithm developed to predict the effect of missense changes on protein structure and function (PolyPhen-2) suggests that this variant is likely to be disruptive. In summary, the available evidence is currently insufficient to determine the role of this variant in disease. Therefore, it has been classified as a Variant of Uncertain Significance.

NM_018341.3(ERMARD):c.1711C>T (p.Arg571Trp)

Gene: ERMARD (ER membrane associated RNA degradation; plus strand). Cytogenetic location: 6q27.
Variant type: single nucleotide variant.
Coding change: c.1711C>T on transcript NM_018341.3 (MANE Select); coding-DNA position 1711, C replaced by T.
Protein change: p.Arg571Trp; replaces arginine 571 with tryptophan.
Molecular consequence: missense variant. On other transcripts: intron variant (2).
Genome position (GRCh38, 1-based): chr6:169,776,645, C>T. VCF-style: chr6-169776645-C-T. GRCh37 (hg19) VCF-style: chr6-170176741-C-T.
Other names: c.1333C>T, p.Arg445Trp (NM_001278532.2); c.1598+234C>T (NM_001278531.2); c.1520+580C>T (NM_001278533.2); c.1711C>T (NM_018341.1); short protein forms R445W, R571W.
Identifiers: ClinVar variation 1371973 (VCV001371973.7), dbSNP rs760835757, ClinGen allele CA4106388.